The following is an entry in ClinVar:

ClinVar aggregate classification (germline): Benign/Likely benign. Review status: criteria provided, multiple submitters, no conflicts (2 of 4 stars). 9 submissions from 9 submitters: Benign (3); Likely benign (4). 2 of the submissions do not count toward it. Last evaluated 2026-01-07.

Conditions:
Inborn genetic diseases. Identifiers: MedGen C0950123, MeSH D030342.
Charcot-Marie-Tooth disease dominant intermediate E. Also called: CHARCOT-MARIE-TOOTH NEUROPATHY WITH FOCAL SEGMENTAL GLOMERULONEPHRITIS. Identifiers: Orphanet 93114, MedGen C4302667, MONDO:0013758, OMIM 614455.
Focal segmental glomerulosclerosis 5 (FSGS5). Identifiers: Orphanet 656, MedGen C2750475, MONDO:0013191, OMIM 613237.
INF2-related disorder. Also called: INF2-related condition.

Allele frequency attached by ClinVar (database versions not stated): 1000 Genomes Project 30x 0.00016; 1000 Genomes Project 0.00020; gnomAD exomes 0.00039 and 0.00055; TOPMed 0.00046; gnomAD 0.00048; ESP Exome Variant Server 0.00049; ExAC 0.00102.
gnomAD v4.1: 657 of 1,582,758 alleles (0.042%); highest among the groups gnomAD compares: Middle Eastern, 0.15%; 1 homozygote.

Submissions (9):

Labcorp Genetics (formerly Invitae), Labcorp
Classification: Benign for Charcot-Marie-Tooth disease dominant intermediate E; Focal segmental glomerulosclerosis 5. Last evaluated: 2026-01-07. Review status: criteria provided, single submitter. Criteria: Invitae Variant Classification Sherloc (09022015). Collection method: clinical testing. Allele origin: germline.

Blueprint Genetics
Classification: Likely benign. Last evaluated: 2024-11-21. Review status: criteria provided, single submitter. Criteria: ACMG Guidelines, 2015. Collection method: clinical testing. Allele origin: germline.

ARUP Laboratories, Molecular Genetics and Genomics, ARUP Laboratories
Classification: Likely benign. Last evaluated: 2023-10-09. Review status: criteria provided, single submitter. Criteria: ARUP Molecular Germline Variant Investigation Process 2024. Collection method: clinical testing. Allele origin: germline.

CeGaT Center for Human Genetics Tuebingen
Classification: Benign. Last evaluated: 2023-04-01. Review status: criteria provided, single submitter. Criteria: CeGaT Center For Human Genetics Tuebingen Variant Classification Criteria Version 2. Collection method: clinical testing. Allele origin: germline. Affected: yes. Observed: 1 variant allele.
Comment: INF2: BP4, BS1, BS2

Ambry Genetics
Classification: Likely benign for Inborn genetic diseases. Last evaluated: 2022-04-08. Review status: criteria provided, single submitter. Criteria: Ambry Variant Classification Scheme 2023. Collection method: clinical testing. Allele origin: germline.

GeneDx
Classification: Likely benign. Last evaluated: 2021-08-12. Review status: criteria provided, single submitter. Criteria: GeneDx Variant Classification Process June 2021. Collection method: clinical testing. Allele origin: germline. Affected: yes.

Illumina Laboratory Services, Illumina
Classification: Benign for Focal segmental glomerulosclerosis 5. Last evaluated: 2018-01-12. Review status: criteria provided, single submitter. Criteria: ICSL Variant Classification Criteria 13 December 2019. Collection method: clinical testing. Allele origin: germline.
Comment: This variant was observed in the ICSL laboratory as part of a predisposition screen in an ostensibly healthy population. It had not been previously curated by ICSL or reported in the Human Gene Mutation Database (HGMD: prior to June 1st, 2018), and was therefore a candidate for classification through an automated scoring system. Utilizing variant allele frequency, disease prevalence and penetrance estimates, and inheritance mode, an automated score was calculated to assess if this variant is too frequent to cause the disease. Based on the score and internal cut-off values, a variant classified as benign is not then subjected to further curation. The score for this variant resulted in a classification of benign for this disease.

Genetic Services Laboratory, University of Chicago
Classification: Likely benign. Last evaluated: 2022-08-08. Review status: no assertion criteria provided. Collection method: clinical testing. Allele origin: germline. Affected: no. Not counted in ClinVar's aggregate classification.

PreventionGenetics, part of Exact Sciences
Classification: Likely benign for INF2-related condition. Last evaluated: 2019-11-15. Review status: no assertion criteria provided. Collection method: clinical testing. Allele origin: germline. Not counted in ClinVar's aggregate classification.
Comment: This variant is classified as likely benign based on ACMG/AMP sequence variant interpretation guidelines (Richards et al. 2015 PMID: 25741868, with internal and published modifications).

NM_022489.4(INF2):c.1144A>G (p.Ser382Gly)

Gene: INF2 (inverted formin 2; plus strand). Cytogenetic location: 14q32.33.
Variant type: single nucleotide variant.
Coding change: c.1144A>G on transcript NM_022489.4 (MANE Select); coding-DNA position 1144, A replaced by G.
Protein change: p.Ser382Gly; replaces serine 382 with glycine.
Molecular consequence: missense variant.
Genome position (GRCh38, 1-based): chr14:104,707,411, A>G. VCF-style: chr14-104707411-A-G. GRCh37 (hg19) VCF-style: chr14-105173748-A-G.
Other names: c.1144A>G, p.Ser382Gly (NM_001031714.4); short protein forms S382G.
Identifiers: ClinVar variation 312685 (VCV000312685.48), dbSNP rs201077878, ClinGen allele CA7372517.